The following is an entry in ClinVar:

ClinVar aggregate classification (germline): Likely pathogenic (1 of 4 stars; one submission).

Conditions:
Cutis laxa, autosomal dominant 3 (ADCL3). Identifiers: Orphanet 90348, MedGen C4225268, MONDO:0014706, OMIM 616603.
Autosomal dominant spastic paraplegia type 9. Identifiers: MedGen C1832669, MONDO:0015091.
de Barsy syndrome. Also called: Cutis laxa-corneal clouding-oligophrenia syndrome. Identifiers: Orphanet 2962, MedGen C0268354, MONDO:0017569.

gnomAD v4.1: 5 of 1,613,282 alleles (0.00031%); highest among the groups gnomAD compares: Non-Finnish European, 0.00042%; no homozygotes.

Submission:

Labcorp Genetics (formerly Invitae), Labcorp
Classification: Likely pathogenic for Autosomal dominant spastic paraplegia type 9; de Barsy syndrome; Cutis laxa, autosomal dominant 3. Last evaluated: 2026-01-11. Review status: criteria provided, single submitter. Criteria: Invitae Variant Classification Sherloc (09022015). Collection method: clinical testing. Allele origin: germline.
Comment: This sequence change replaces arginine, which is basic and polar, with histidine, which is basic and polar, at codon 425 of the ALDH18A1 protein (p.Arg425His). This variant is present in population databases (no rsID available, gnomAD 0.0009%). This variant has not been reported in the literature in individuals affected with ALDH18A1-related conditions. Invitae Evidence Modeling of protein sequence and biophysical properties (such as structural, functional, and spatial information, amino acid conservation, physicochemical variation, residue mobility, and thermodynamic stability) indicates that this missense variant is expected to disrupt ALDH18A1 protein function with a positive predictive value of 95%. This variant disrupts the p.Arg425 amino acid residue in ALDH18A1. Other variant(s) that disrupt this residue have been determined to be pathogenic (PMID: 22411858, 23963297, 30244529). This suggests that this residue is clinically significant, and that variants that disrupt this residue are likely to be disease-causing. In summary, the currently available evidence indicates that the variant is pathogenic, but additional data are needed to prove that conclusively. Therefore, this variant has been classified as Likely Pathogenic.

Literature cited by the submitters: PubMed 22411858; PubMed 23963297; PubMed 30244529.

NM_002860.4(ALDH18A1):c.1274G>A (p.Arg425His)

Gene: ALDH18A1 (aldehyde dehydrogenase 18 family member A1; minus strand). Cytogenetic location: 10q24.1.
Variant type: single nucleotide variant.
Coding change: c.1274G>A on transcript NM_002860.4 (MANE Select); coding-DNA position 1274, G replaced by A.
Protein change: p.Arg425His; replaces arginine 425 with histidine.
Molecular consequence: missense variant.
Genome position (GRCh38, 1-based): chr10:95,621,224, C>T on the plus strand (G>A on the coding strand, the complement: ALDH18A1 is on the minus strand). VCF-style: chr10-95621224-C-T. GRCh37 (hg19) VCF-style: chr10-97380981-C-T.
Other names: c.941G>A, p.Arg314His (NM_001323416.2, NM_001323412.2); c.1169G>A, p.Arg390His (NM_001323417.2); c.935G>A, p.Arg312His (NM_001323418.2); c.638G>A, p.Arg213His (NM_001323419.2); c.1268G>A, p.Arg423His (NM_001017423.2, NM_001323415.2); c.1274G>A, p.Arg425His (NM_001323413.2, NM_001323414.2); short protein forms R423H, R314H, R425H, R213H, R312H, R390H.
Identifiers: ClinVar variation 4784016 (VCV004784016.1).